The following is an entry in ClinVar:

ClinVar aggregate classification (germline): Uncertain significance (1 of 4 stars; one submission).

Submission:

GeneDx
Classification: Uncertain significance. Last evaluated: 2018-04-04. Review status: criteria provided, single submitter. Criteria: GeneDx Variant Classification (06012015). Collection method: clinical testing. Allele origin: germline. Affected: yes.
Comment: The T148A variant in the NRAS gene has not been reported previously as a pathogenic variant, nor as a benign variant, to our knowledge. The T148A variant is not observed in large population cohorts (Lek et al., 2016). The T148A variant is a non-conservative amino acid substitution, which is likely to impact secondary protein structure as these residues differ in polarity, charge, size and/or other properties. In-silico analyses, including protein predictors and evolutionary conservation, support a deleterious effect. The majority of missense variants in this gene are considered pathogenic (Stenson et al., 2014). We interpret T148A as a variant of uncertain significance.

NM_002524.5(NRAS):c.442A>G (p.Thr148Ala)

Gene: NRAS (NRAS proto-oncogene, GTPase; minus strand). Cytogenetic location: 1p13.2.
Variant type: single nucleotide variant.
Coding change: c.442A>G on transcript NM_002524.5 (MANE Select); coding-DNA position 442, A replaced by G.
Protein change: p.Thr148Ala; replaces threonine 148 with alanine.
Molecular consequence: missense variant.
Genome position (GRCh38, 1-based): chr1:114,709,577, T>C on the plus strand (A>G on the coding strand, the complement: NRAS is on the minus strand). VCF-style: chr1-114709577-T-C. GRCh37 (hg19) VCF-style: chr1-115252198-T-C.
Other names: p.T148A:ACC>GCC; c.442A>G (LRG_92t1); short protein forms T148A.
Identifiers: ClinVar variation 181461 (VCV000181461.2), dbSNP rs730880969, ClinGen allele CA297036.